The following is an entry in ClinVar:

ClinVar aggregate classification (germline): Uncertain significance (1 of 4 stars; one submission).

Submission:

Ambry Genetics
Classification: Uncertain significance. Last evaluated: 2022-09-18. Review status: criteria provided, single submitter. Criteria: Ambry Variant Classification Scheme 2023. Collection method: clinical testing. Allele origin: germline.
Comment: The p.G641R variant (also known as c.1921G>C), located in coding exon 12 of the POLQ gene, results from a G to C substitution at nucleotide position 1921. The glycine at codon 641 is replaced by arginine, an amino acid with dissimilar properties. This amino acid position is conserved. In addition, this alteration is predicted to be tolerated by in silico analysis. Since supporting evidence is limited at this time, the clinical significance of this alteration remains unclear.

NM_199420.4(POLQ):c.1921G>C (p.Gly641Arg)

Gene: POLQ (DNA polymerase theta; minus strand). Cytogenetic location: 3q13.33.
Variant type: single nucleotide variant.
Coding change: c.1921G>C on transcript NM_199420.4 (MANE Select); coding-DNA position 1921, G replaced by C.
Protein change: p.Gly641Arg; replaces glycine 641 with arginine.
Molecular consequence: missense variant.
Genome position (GRCh38, 1-based): chr3:121,509,599, C>G on the plus strand (G>C on the coding strand, the complement: POLQ is on the minus strand). VCF-style: chr3-121509599-C-G. GRCh37 (hg19) VCF-style: chr3-121228446-C-G.
Other names: short protein forms G641R.
Identifiers: ClinVar variation 1782692 (VCV001782692.2), dbSNP rs2546801983, ClinGen allele CA354113378.